The following is an entry in ClinVar:

NM_017433.5(MYO3A):c.35A>T (p.Asp12Val)

Gene: MYO3A (myosin IIIA; plus strand). Cytogenetic location: 10p12.1.
Variant type: single nucleotide variant.
Coding change: c.35A>T on transcript NM_017433.5 (MANE Select); coding-DNA position 35, A replaced by T.
Protein change: p.Asp12Val; replaces aspartic acid 12 with valine.
Molecular consequence: missense variant.
Genome position (GRCh38, 1-based): chr10:25,952,145, A>T. VCF-style: chr10-25952145-A-T. GRCh37 (hg19) VCF-style: chr10-26241074-A-T.
Other names: c.35A>T, p.Asp12Val (NM_001368265.1); short protein forms D12V.
Identifiers: ClinVar variation 1302345 (VCV001302345.10), dbSNP rs751347652, ClinGen allele CA5444186.

ClinVar aggregate classification (germline): Uncertain significance. Review status: criteria provided, multiple submitters, no conflicts (2 of 4 stars). 3 submissions from 3 submitters: Uncertain significance (3). Last evaluated 2025-10-01.

Conditions:
Inborn genetic diseases. Identifiers: MedGen C0950123, MeSH D030342.

Allele frequency attached by ClinVar (database versions not stated): ExAC 0.00001; gnomAD 0.00001; gnomAD exomes 0.00001; TOPMed 0.00002.
gnomAD v4.1: 41 of 1,612,208 alleles (0.0025%); highest among the groups gnomAD compares: Non-Finnish European, 0.0034%; no homozygotes.

Submissions (3):

CeGaT Center for Human Genetics Tuebingen
Classification: Uncertain significance. Last evaluated: 2025-10-01. Review status: criteria provided, single submitter. Criteria: CeGaT Center For Human Genetics Tuebingen Variant Classification Criteria Version 2. Collection method: clinical testing. Allele origin: germline. Affected: yes. Observed: 1 variant allele.
Comment: MYO3A: PM2

Ambry Genetics
Classification: Uncertain significance for Inborn genetic diseases. Last evaluated: 2023-07-05. Review status: criteria provided, single submitter. Criteria: Ambry Variant Classification Scheme 2023. Collection method: clinical testing. Allele origin: germline.

GeneDx
Classification: Uncertain significance. Last evaluated: 2020-06-29. Review status: criteria provided, single submitter. Criteria: GeneDx Variant Classification Process June 2021. Collection method: clinical testing. Allele origin: germline. Affected: yes.
Comment: In silico analysis supports that this missense variant has a deleterious effect on protein structure/function; Has not been previously published as pathogenic or benign to our knowledge